The following is an entry in ClinVar:

NC_000002.11:g.(?_50847140)_(50848407_?)del

Gene: NRXN1 (neurexin 1; minus strand). Cytogenetic location: 2p16.3.
Variant type: Deletion.
Identifiers: ClinVar variation 2423811 (VCV002423811.4).

ClinVar aggregate classification (germline): Uncertain significance (1 of 4 stars; one submission).

Conditions:
Pitt-Hopkins-like syndrome 2 (PTHSL2). Identifiers: Orphanet 221150, Orphanet 600663, MedGen C3280479, MONDO:0013690, OMIM 614325.

Submission:

Labcorp Genetics (formerly Invitae), Labcorp
Classification: Uncertain significance for Pitt-Hopkins-like syndrome 2. Last evaluated: 2022-06-29. Review status: criteria provided, single submitter. Criteria: Invitae Variant Classification Sherloc (09022015). Collection method: clinical testing. Allele origin: germline.
Comment: Experimental studies and prediction algorithms are not available or were not evaluated, and the functional significance of this variant is currently unknown. In summary, the available evidence is currently insufficient to determine the role of this variant in disease. Therefore, it has been classified as a Variant of Uncertain Significance. This variant has not been reported in the literature in individuals affected with NRXN1-related conditions. This variant is a gross deletion of the genomic region encompassing exon(s) 8-9 of the NRXN1 gene. This variant would be expected to be in-frame, preserving the integrity of the reading frame.